The following is an entry in ClinVar:

NM_014874.4(MFN2):c.1266T>G (p.Ile422Met)

Gene: MFN2 (mitofusin 2; plus strand). Cytogenetic location: 1p36.22.
Variant type: single nucleotide variant.
Coding change: c.1266T>G on transcript NM_014874.4 (MANE Select); coding-DNA position 1266, T replaced by G.
Protein change: p.Ile422Met; replaces isoleucine 422 with methionine.
Molecular consequence: missense variant.
Genome position (GRCh38, 1-based): chr1:12,004,097, T>G. VCF-style: chr1-12004097-T-G. GRCh37 (hg19) VCF-style: chr1-12064154-T-G.
Other names: c.1266T>G, p.Ile422Met (NM_001127660.2); short protein forms I422M.
Identifiers: ClinVar variation 4799330 (VCV004799330.1).

ClinVar aggregate classification (germline): Uncertain significance (1 of 4 stars; one submission).

Conditions:
Charcot-Marie-Tooth disease type 2. Also called: Charcot-Marie-Tooth type 2. Identifiers: Orphanet 64746, MedGen C0270914, MONDO:0018993.

gnomAD v4.1: 2 of 1,614,160 alleles (0.00012%); highest among the groups gnomAD compares: African/African-American, 0.0027%; no homozygotes.

Submission:

Labcorp Genetics (formerly Invitae), Labcorp
Classification: Uncertain significance for Charcot-Marie-Tooth disease type 2. Last evaluated: 2025-02-20. Review status: criteria provided, single submitter. Criteria: Invitae Variant Classification Sherloc (09022015). Collection method: clinical testing. Allele origin: germline.
Comment: This sequence change replaces isoleucine, which is neutral and non-polar, with methionine, which is neutral and non-polar, at codon 422 of the MFN2 protein (p.Ile422Met). This variant is not present in population databases (gnomAD no frequency). This variant has not been reported in the literature in individuals affected with MFN2-related conditions. Invitae Evidence Modeling of protein sequence and biophysical properties (such as structural, functional, and spatial information, amino acid conservation, physicochemical variation, residue mobility, and thermodynamic stability) indicates that this missense variant is not expected to disrupt MFN2 protein function with a negative predictive value of 80%. In summary, the available evidence is currently insufficient to determine the role of this variant in disease. Therefore, it has been classified as a Variant of Uncertain Significance.